The following is an entry in ClinVar:

ClinVar aggregate classification (germline): Benign/Likely benign. Review status: criteria provided, multiple submitters, no conflicts (2 of 4 stars). 5 submissions from 5 submitters: Benign (2); Likely benign (3). Last evaluated 2026-07-01.

Conditions:
Noonan syndrome and Noonan-related syndrome. Identifiers: Orphanet 98733, MedGen C5681679, MONDO:0020297.
RASopathy. Also called: rasopathies; Noonan spectrum disorder. Identifiers: Orphanet 536391, MedGen C5555857, MONDO:0021060.

Submissions (5):

CeGaT Center for Human Genetics Tuebingen
Classification: Likely benign. Last evaluated: 2026-07-01. Review status: criteria provided, single submitter. Criteria: CeGaT Center For Human Genetics Tuebingen Variant Classification Criteria Version 2. Collection method: clinical testing. Allele origin: germline. Affected: yes. Observed: 2 variant alleles.
Comment: BRAF: BP4

Labcorp Genetics (formerly Invitae), Labcorp
Classification: Likely benign for RASopathy. Last evaluated: 2025-12-15. Review status: criteria provided, single submitter. Criteria: Invitae Variant Classification Sherloc (09022015). Collection method: clinical testing. Allele origin: germline.

Blueprint Genetics
Classification: Likely benign. Last evaluated: 2024-05-28. Review status: criteria provided, single submitter. Criteria: ACMG Guidelines, 2015. Collection method: clinical testing. Allele origin: germline.

Genome Diagnostics Laboratory, The Hospital for Sick Children
Classification: Benign for Noonan syndrome and Noonan-related syndrome. Last evaluated: 2020-12-08. Review status: criteria provided, single submitter. Criteria: ACMG Guidelines, 2015. Collection method: clinical testing. Allele origin: germline.

Women's Health and Genetics/Laboratory Corporation of America, LabCorp
Classification: Benign. Last evaluated: 2019-09-25. Review status: criteria provided, single submitter. Criteria: LabCorp Variant Classification Summary - May 2015. Collection method: clinical testing. Allele origin: germline.
Comment: Variant summary: BRAF c.2128-16_2128-7del10 alters a nucleotide located close to a canonical splice site and therefore could affect mRNA splicing, leading to a significantly altered protein sequence. 5/5 computational tools predict no significant impact on normal splicing. However, these predictions have yet to be confirmed by functional studies. The variant allele was found at a frequency of 0.0027 in 185684 control chromosomes, predominantly at a frequency of 0.0036 within the East Asian subpopulation in the gnomAD database. The observed variant frequency within East Asian control individuals in the gnomAD database is approximately 1440 fold of the estimated maximal expected allele frequency for a pathogenic variant in BRAF causing Noonan Syndrome and Related Conditions phenotype (2.5e-06), strongly suggesting that the variant is a benign polymorphism found primarily in populations of East Asian origin. To our knowledge, no occurrence of c.2128-16_2128-7del10 in individuals affected with Noonan Syndrome and Related Conditions and no experimental evidence demonstrating its impact on protein function have been reported. No clinical diagnostic laboratories have submitted clinical-significance assessments for this variant to ClinVar after 2014. Based on the evidence outlined above, the variant was classified as benign.

NM_004333.6(BRAF):c.2128-16_2128-7del

Gene: BRAF (B-Raf proto-oncogene, serine/threonine kinase; minus strand). Cytogenetic location: 7q34.
Variant type: Deletion.
Coding change: c.2128-16_2128-7del on transcript NM_004333.6 (MANE Select); 16 bases into the intron before coding-DNA position 2128 through 7 bases into the intron before coding-DNA position 2128, 10 bases deleted (CTTTTTTTTT; older notation c.2128-16_2128-7delCTTTTTTTTT).
Molecular consequence: intron variant.
Genome position (GRCh38, 1-based): chr7:140,734,777-140,734,786, AAAAAAAAAG deleted on the plus strand (CTTTTTTTTT on the coding strand, the reverse complement: BRAF is on the minus strand); deleting any 10 consecutive bases within chr7:140,734,777-140,734,795 gives the same sequence; the c. name uses the placement nearest the transcript's 3' end. VCF-style (leftmost placement, unchanged base first): chr7-140734776-AAAAAAAAAAG-A. GRCh37 (hg19) VCF-style: chr7-140434576-AAAAAAAAAAG-A.
Other names: c.2127+5026_2127+5035del (NM_001378474.1, NM_001378468.1); c.2026-16_2026-7del (NM_001378470.1); c.1864-16_1864-7del (NM_001378475.1); c.2017-16_2017-7del (NM_001378471.1); c.2128-16_2128-7del (NM_001354609.2); c.2248-16_2248-7del (NM_001374258.1, NM_001374244.1); c.2137-16_2137-7del (NM_001378467.1); c.1972-16_1972-7del (NM_001378472.1, NM_001378473.1); and 2 more.
Identifiers: ClinVar variation 928807 (VCV000928807.38), dbSNP rs766844227, ClinGen allele CA4516536.